The following is an entry in ClinVar:

NM_002225.5(IVD):c.179A>C (p.His60Pro)

Gene: IVD (isovaleryl-CoA dehydrogenase; plus strand). Cytogenetic location: 15q15.1.
Variant type: single nucleotide variant.
Coding change: c.179A>C on transcript NM_002225.5 (MANE Select); coding-DNA position 179, A replaced by C.
Protein change: p.His60Pro; replaces histidine 60 with proline.
Molecular consequence: missense variant. On other transcripts: non-coding transcript variant (1), intron variant (1).
Genome position (GRCh38, 1-based): chr15:40,407,670, A>C. VCF-style: chr15-40407670-A-C. GRCh37 (hg19) VCF-style: chr15-40699871-A-C.
Other names: c.131A>C, p.His44Pro (NM_001354597.3); c.179A>C, p.His60Pro (NM_001354598.3, NM_001354599.3, NM_001354600.3 and 1 more transcripts); c.145-269A>C (NM_001159508.3); short protein forms H44P, H60P.
Identifiers: ClinVar variation 3018442 (VCV003018442.3), dbSNP rs2542642978, ClinGen allele CA391744756.

ClinVar aggregate classification (germline): Uncertain significance (1 of 4 stars; one submission).

Conditions:
Isovaleryl-CoA dehydrogenase deficiency (IVA). Also called: Classic Isovaleric Acidemia; ISOVALERIC ACID CoA DEHYDROGENASE DEFICIENCY; Isovaleric acidemia; IVD DEFICIENCY. Identifiers: Orphanet 33, MedGen C0268575, MONDO:0009475, OMIM 243500.

Submission:

Labcorp Genetics (formerly Invitae), Labcorp
Classification: Uncertain significance for Isovaleryl-CoA dehydrogenase deficiency. Last evaluated: 2023-10-17. Review status: criteria provided, single submitter. Criteria: Invitae Variant Classification Sherloc (09022015). Collection method: clinical testing. Allele origin: germline.
Comment: This sequence change replaces histidine, which is basic and polar, with proline, which is neutral and non-polar, at codon 63 of the IVD protein (p.His63Pro). This variant is not present in population databases (gnomAD no frequency). This variant has not been reported in the literature in individuals affected with IVD-related conditions. An algorithm developed to predict the effect of missense changes on protein structure and function (PolyPhen-2) suggests that this variant is likely to be tolerated. In summary, the available evidence is currently insufficient to determine the role of this variant in disease. Therefore, it has been classified as a Variant of Uncertain Significance.